The following is an entry in ClinVar:

NM_000321.3(RB1):c.2521-7T>A

Gene: RB1 (RB transcriptional corepressor 1; plus strand). Cytogenetic location: 13q14.2.
Variant type: single nucleotide variant.
Coding change: c.2521-7T>A on transcript NM_000321.3 (MANE Select); 7 bases into the intron before coding-DNA position 2521, T replaced by A.
Molecular consequence: intron variant.
Genome position (GRCh38, 1-based): chr13:48,476,694, T>A. VCF-style: chr13-48476694-T-A. GRCh37 (hg19) VCF-style: chr13-49050830-T-A.
Identifiers: ClinVar variation 416500 (VCV000416500.16), dbSNP rs371150038, ClinGen allele CA16614065.
Genomic context (GRCh38, chr13:48,476,694, plus strand): 5'-CTTGAGGTTGCTAACTATGAAACACTGGCATTTAATGATTTAAAGTAAAGAATTCTGTAA[T>A]TTGTAGACTTCTGAGAAGTTCCAGAAAATAAATCAGATGGTATGTAACAGCGACCGTGTG-3'

ClinVar aggregate classification (germline): Conflicting classifications of pathogenicity. Review status: criteria provided, conflicting classifications (1 of 4 stars). 5 submissions from 5 submitters: Uncertain significance (4); Benign (1). Last evaluated 2026-01-12.

Conditions:
Hereditary cancer-predisposing syndrome. Also called: Tumor predisposition; Neoplastic Syndromes, Hereditary; Hereditary neoplastic syndrome; Hereditary Cancer Syndrome. Identifiers: Orphanet 140162, MedGen C0027672, MeSH D009386, MONDO:0015356.
Retinoblastoma (RB1). Also called: RETINOBLASTOMA, SOMATIC. Identifiers: Orphanet 790, MedGen C0035335, MeSH D012175, MONDO:0008380, OMIM 180200, HP:0009919. Disease mechanism: loss of function. Inheritance: Both sporadic and heritable forms are tested..

Allele frequency attached by ClinVar (database versions not stated): gnomAD exomes below 0.00001 and 0.00001; gnomAD 0.00001; TOPMed 0.00001.
gnomAD v4.1: 17 of 1,610,996 alleles (0.0011%); highest among the groups gnomAD compares: East Asian, 0.0089%; 1 homozygote.

Submissions (5):

Labcorp Genetics (formerly Invitae), Labcorp
Classification: Benign for Retinoblastoma. Last evaluated: 2026-01-12. Review status: criteria provided, single submitter. Criteria: Invitae Variant Classification Sherloc (09022015). Collection method: clinical testing. Allele origin: germline.

All of Us Research Program, National Institutes of Health
Classification: Uncertain significance for Retinoblastoma. Last evaluated: 2024-08-13. Review status: criteria provided, single submitter. Criteria: ACMG Guidelines, 2015. Collection method: clinical testing. Allele origin: germline. Inheritance: Autosomal dominant inheritance. Observed: 17 variant alleles, 17 heterozygotes.
Comment: This variant causes a T to A nucleotide substitution at the -7 position of intron 24 of the RB1 gene. To our knowledge, functional studies have not been reported for this variant. This variant has not been reported in individuals affected with RB1-related disorders in the literature. This variant has been identified in 4/282262 chromosomes in the general population by the Genome Aggregation Database (gnomAD). The available evidence is insufficient to determine the role of this variant in disease conclusively. Therefore, this variant is classified as a Variant of Uncertain Significance.

This study involves interpretation of variants in research participants for the purpose of population health screening. Participant phenotype was not available at the time of variant classification. Additional details can be found in publication PMID: 35346344, PMCID: PMC8962531

Color Diagnostics, LLC DBA Color Health
Classification: Uncertain significance for Retinoblastoma. Last evaluated: 2024-04-17. Review status: criteria provided, single submitter. Criteria: ACMG Guidelines, 2015. Collection method: clinical testing. Allele origin: germline.
Comment: This variant causes a T to A nucleotide substitution at the -7 position of intron 24 of the RB1 gene. To our knowledge, RNA studies have not been reported for this variant. This variant has not been reported in individuals affected with RB1-related disorders in the literature. This variant has been identified in 4/282262 chromosomes in the general population by the Genome Aggregation Database (gnomAD). The available evidence is insufficient to determine the role of this variant in disease conclusively. Therefore, this variant is classified as a Variant of Uncertain Significance.

Department of Pathology and Laboratory Medicine, Sinai Health System
Classification: Uncertain significance for retinoblastoma. Last evaluated: 2023-11-14. Review status: criteria provided, single submitter. Criteria: ACMG Guidelines, 2015. Collection method: clinical testing. Allele origin: germline. Affected: yes.

Sema4
Classification: Uncertain significance for Hereditary cancer-predisposing syndrome. Last evaluated: 2021-08-25. Review status: criteria provided, single submitter. Criteria: Sema4 Curation Guidelines. Collection method: curation. Allele origin: germline.
Comment: The RB1 c.2521-7T>A variant has not been reported individuals with RB1-related disease. It was observed in 4/282262 chromosomes in the large and broad cohorts of the Genome Aggregation Database (PMID: 32461654). The variant has been reported in ClinVar (Variation ID 416500). Computational tools suggest that this variant may weaken the acceptor splicing site, but this prediction has not been confirmed by functional studies. The evidence is insufficient to meet ACMG/AMP criteria for classifying the variant as benign or pathogenic. Thus, the clinical significance of this variant is currently uncertain.